The following is an entry in ClinVar:

ClinVar aggregate classification (germline): Uncertain significance (1 of 4 stars; one submission).

Conditions:
Cystic fibrosis (CF). Also called: MUCOVISCIDOSIS. Identifiers: Orphanet 586, MedGen C0010674, MONDO:0009061, OMIM 219700. Disease mechanism: loss of function.

Submission:

Ambry Genetics
Classification: Uncertain significance for Cystic fibrosis. Last evaluated: 2019-02-11. Review status: criteria provided, single submitter. Criteria: Ambry Variant Classification Scheme 2023. Collection method: clinical testing. Allele origin: germline.
Comment: The p.G1247V variant (also known as c.3740G>T), located in coding exon 23 of the CFTR gene, results from a G to T substitution at nucleotide position 3740. The glycine at codon 1247 is replaced by valine, an amino acid with dissimilar properties. Another variant affecting this amino acid (p.G1247R) has been reported in association with cystic fibrosis (Lucarelli M et al. Mol. Med., 2015 Apr;21:257-75). This amino acid position is highly conserved in available vertebrate species. In addition, this alteration is predicted to be deleterious by in silico analysis. Since supporting evidence is limited at this time, the clinical significance of this alteration remains unclear.

Literature cited by the submitters: PubMed 25910067.

NM_000492.4(CFTR):c.3740G>T (p.Gly1247Val)

Genes: CFTR (CF transmembrane conductance regulator; plus strand), CFTR-AS2 (CFTR antisense RNA 2; minus strand). Cytogenetic location: 7q31.2.
Variant type: single nucleotide variant.
Coding change: c.3740G>T on transcript NM_000492.4 (MANE Select); coding-DNA position 3740, G replaced by T.
Protein change: p.Gly1247Val; replaces glycine 1247 with valine.
Molecular consequence: missense variant.
Genome position (GRCh38, 1-based): chr7:117,642,460, G>T. VCF-style: chr7-117642460-G-T. GRCh37 (hg19) VCF-style: chr7-117282514-G-T.
Other names: short protein forms G1247V.
Identifiers: ClinVar variation 1734477 (VCV001734477.2), dbSNP rs2485159784, ClinGen allele CA368974499.